The following is an entry in ClinVar:

NM_000447.3(PSEN2):c.1139C>T (p.Thr380Met)

Gene: PSEN2 (presenilin 2; plus strand). Cytogenetic location: 1q42.13.
Variant type: single nucleotide variant.
Coding change: c.1139C>T on transcript NM_000447.3 (MANE Select); coding-DNA position 1139, C replaced by T.
Protein change: p.Thr380Met; replaces threonine 380 with methionine.
Molecular consequence: missense variant.
Genome position (GRCh38, 1-based): chr1:226,894,073, C>T. VCF-style: chr1-226894073-C-T. GRCh37 (hg19) VCF-style: chr1-227081774-C-T.
Other names: c.1136C>T, p.Thr379Met (NM_012486.3); short protein forms T380M, T379M.
Identifiers: ClinVar variation 805253 (VCV000805253.6), dbSNP rs143912759, ClinGen allele CA38625284.

ClinVar aggregate classification (germline): Uncertain significance. Review status: criteria provided, multiple submitters, no conflicts (2 of 4 stars). 4 submissions from 4 submitters: Uncertain significance (4). Last evaluated 2024-07-24.

Conditions:
Alzheimer disease 4 (AD4). Identifiers: Orphanet 1020, MedGen C1847200, MONDO:0011743, OMIM 606889.

Allele frequency attached by ClinVar (database versions not stated): TOPMed 0.00003.

Submissions (4):

Labcorp Genetics (formerly Invitae), Labcorp
Classification: Uncertain significance for Alzheimer disease 4. Last evaluated: 2024-07-24. Review status: criteria provided, single submitter. Criteria: Invitae Variant Classification Sherloc (09022015). Collection method: clinical testing. Allele origin: germline.
Comment: This sequence change replaces threonine, which is neutral and polar, with methionine, which is neutral and non-polar, at codon 380 of the PSEN2 protein (p.Thr380Met). This variant is present in population databases (no rsID available, gnomAD 0.01%). This variant has not been reported in the literature in individuals affected with PSEN2-related conditions. ClinVar contains an entry for this variant (Variation ID: 805253). An algorithm developed to predict the effect of missense changes on protein structure and function (PolyPhen-2) suggests that this variant is likely to be disruptive. In summary, the available evidence is currently insufficient to determine the role of this variant in disease. Therefore, it has been classified as a Variant of Uncertain Significance.

Blueprint Genetics
Classification: Uncertain significance. Last evaluated: 2024-05-08. Review status: criteria provided, single submitter. Criteria: ACMG Guidelines, 2015. Collection method: clinical testing. Allele origin: germline.

AiLife Diagnostics
Classification: Uncertain significance. Last evaluated: 2022-02-26. Review status: criteria provided, single submitter. Criteria: ACMG Guidelines, 2015. Collection method: clinical testing. Allele origin: germline. Affected: yes. Observed: 1 variant allele.

Athena Diagnostics
Classification: Uncertain significance. Last evaluated: 2019-07-10. Review status: criteria provided, single submitter. Criteria: Athena Diagnostics Criteria. Collection method: clinical testing. Allele origin: germline.

Literature cited by the submitters: PubMed 27128372 (cited by Athena Diagnostics).